The following is an entry in ClinVar:

NM_001267550.2(TTN):c.45053C>T (p.Ala15018Val)

Genes: TTN (titin; minus strand), LOC126806427 (BRD4-independent group 4 enhancer GRCh37_chr2:179485777-179486976; plus strand). Cytogenetic location: 2q31.2.
Variant type: single nucleotide variant.
Coding change: c.45053C>T on transcript NM_001267550.2 (MANE Select); coding-DNA position 45053, C replaced by T.
Protein change: p.Ala15018Val; replaces alanine 15018 with valine.
Molecular consequence: missense variant.
Genome position (GRCh38, 1-based): chr2:178,621,869, G>A on the plus strand (C>T on the coding strand, the complement: TTN is on the minus strand). VCF-style: chr2-178621869-G-A. GRCh37 (hg19) VCF-style: chr2-179486596-G-A.
Other names: p.A13377V:GCG>GTG; p.Ala13377Val; c.37349C>T, p.Ala12450Val (NM_133378.4); c.18233C>T, p.Ala6078Val (NM_133432.3); c.18434C>T, p.Ala6145Val (NM_133437.4); c.40130C>T, p.Ala13377Val (NM_001256850.1); c.17858C>T, p.Ala5953Val (NM_003319.4); short protein forms A12450V, A15018V, A13377V, A5953V, A6078V, A6145V.
Identifiers: ClinVar variation 96288 (VCV000096288.54), dbSNP rs72677221, ClinGen allele CA178846.

ClinVar aggregate classification (germline): Benign/Likely benign. Review status: criteria provided, multiple submitters, no conflicts (2 of 4 stars). 17 submissions from 14 submitters: Benign (7); Likely benign (10). Last evaluated 2026-10-01.

Conditions:
Cardiovascular phenotype. Identifiers: MedGen CN230736.
Dilated cardiomyopathy 1G (CMD1G). Identifiers: Orphanet 154, MedGen C1858763, MONDO:0011400, OMIM 604145.
Autosomal recessive limb-girdle muscular dystrophy type 2J (LGMDR10). Also called: Limb-girdle muscular dystrophy, type 2J; MUSCULAR DYSTROPHY, LIMB-GIRDLE, AUTOSOMAL RECESSIVE 10. Identifiers: Orphanet 140922, MedGen C1837342, MONDO:0012127, OMIM 608807.
Early-onset myopathy with fatal cardiomyopathy (CMYO5). Also called: Salih Myopathy; CONGENITAL MYOPATHY 5 WITH CARDIOMYOPATHY. Identifiers: Orphanet 289377, MedGen C2673677, MONDO:0012714, OMIM 611705. Disease mechanism: loss of function.
Myopathy, myofibrillar, 9, with early respiratory failure (MFM9). Also called: Hereditary myopathy with early respiratory failure; MYOPATHY, PROXIMAL, WITH EARLY RESPIRATORY MUSCLE INVOLVEMENT; Myopathy, distal, with early respiratory failure, autosomal dominant; EDSTROM MYOPATHY. Identifiers: Orphanet 178464, Orphanet 34521, MedGen C1863599, MONDO:0011362, OMIM 603689.
Tibial muscular dystrophy (TMD). Also called: UDD MYOPATHY; Tibial muscular dystrophy, tardive; Udd Distal Myopathy – Tibial Muscular Dystrophy. Identifiers: Orphanet 609, MedGen C1838244, MONDO:0010870, OMIM 600334.

Allele frequency attached by ClinVar (database versions not stated): ESP Exome Variant Server 0.00008; 1000 Genomes Project 0.00180; TOPMed 0.00042; 1000 Genomes Project 30x 0.00203.
gnomAD v4.1: 363 of 1,612,066 alleles (0.023%); highest among the groups gnomAD compares: Admixed American, 0.5%; 2 homozygotes.

Submissions (17):

CeGaT Center for Human Genetics Tuebingen
Classification: Likely benign. Last evaluated: 2026-10-01. Review status: criteria provided, single submitter. Criteria: CeGaT Center For Human Genetics Tuebingen Variant Classification Criteria Version 2. Collection method: clinical testing. Allele origin: germline. Affected: yes. Observed: 8 variant alleles.
Comment: TTN: BS1

Labcorp Genetics (formerly Invitae), Labcorp
Classification: Benign for Dilated cardiomyopathy 1G; Autosomal recessive limb-girdle muscular dystrophy type 2J. Last evaluated: 2026-01-26. Review status: criteria provided, single submitter. Criteria: Invitae Variant Classification Sherloc (09022015). Collection method: clinical testing. Allele origin: germline.

Mayo Clinic Laboratories, Mayo Clinic
Classification: Likely benign. Last evaluated: 2025-11-01. Review status: criteria provided, single submitter. Criteria: ACMG Guidelines, 2015. Collection method: clinical testing. Allele origin: germline. Observed: 3 variant alleles.
Comment: BS1, BP4

ARUP Laboratories, Molecular Genetics and Genomics, ARUP Laboratories
Classification: Likely benign. Last evaluated: 2025-05-23. Review status: criteria provided, single submitter. Criteria: ARUP Molecular Germline Variant Investigation Process 2024. Collection method: clinical testing. Allele origin: germline.

Molecular Diagnostic Laboratory for Inherited Cardiovascular Disease, Montreal Heart Institute
Classification: Likely benign. Last evaluated: 2025-04-09. Review status: criteria provided, single submitter. Criteria: ACMG Guidelines, 2015. Collection method: clinical testing. Allele origin: germline. Affected: no.

Blueprint Genetics
Classification: Likely benign. Last evaluated: 2024-10-10. Review status: criteria provided, single submitter. Criteria: ACMG Guidelines, 2015. Collection method: clinical testing. Allele origin: germline.

Women's Health and Genetics/Laboratory Corporation of America, LabCorp
Classification: Likely benign. Last evaluated: 2023-08-19. Review status: criteria provided, single submitter. Criteria: LabCorp Variant Classification Summary - May 2015. Collection method: clinical testing. Allele origin: germline.

Genome-Nilou Lab
Classification: Benign for Autosomal recessive limb-girdle muscular dystrophy type 2J. Last evaluated: 2021-09-10. Review status: criteria provided, single submitter. Criteria: ACMG Guidelines, 2015. Collection method: clinical testing. Allele origin: germline. Affected: no.

Genome-Nilou Lab
Classification: Benign for Myopathy, myofibrillar, 9, with early respiratory failure. Last evaluated: 2021-09-10. Review status: criteria provided, single submitter. Criteria: ACMG Guidelines, 2015. Collection method: clinical testing. Allele origin: germline. Affected: no.

Genome-Nilou Lab
Classification: Benign for Early-onset myopathy with fatal cardiomyopathy. Last evaluated: 2021-09-10. Review status: criteria provided, single submitter. Criteria: ACMG Guidelines, 2015. Collection method: clinical testing. Allele origin: germline. Affected: no.

Genome-Nilou Lab
Classification: Benign for Tibial muscular dystrophy. Last evaluated: 2021-09-10. Review status: criteria provided, single submitter. Criteria: ACMG Guidelines, 2015. Collection method: clinical testing. Allele origin: germline. Affected: no.

GeneDx
Classification: Likely benign. Last evaluated: 2020-12-10. Review status: criteria provided, single submitter. Criteria: GeneDx Variant Classification Process June 2021. Collection method: clinical testing. Allele origin: germline. Affected: yes.
Comment: This variant is associated with the following publications: (PMID: 28771489)

Laboratory for Molecular Medicine, Mass General Brigham Personalized Medicine
Classification: Benign. Last evaluated: 2018-04-18. Review status: criteria provided, single submitter. Criteria: LMM Criteria. Collection method: clinical testing. Allele origin: germline. Observed: 2 variant alleles.
Comment: p.Ala12450Val in exon 193 of TTN: This variant is classified as benign because i t has been identified in 0.5% (198/34230) of Latino chromosomes by the Genome Ag gregation Database (gnomAD; dbSNP rs72677221) . ACMG/AMP Criteria applied: BA1.

Eurofins Ntd Llc (ga)
Classification: Likely benign. Last evaluated: 2017-07-05. Review status: criteria provided, single submitter. Criteria: EGL Classification Definitions 2015. Collection method: clinical testing. Allele origin: germline. Observed: 7 variant alleles, 7 heterozygotes.

Athena Diagnostics
Classification: Benign. Last evaluated: 2017-01-18. Review status: criteria provided, single submitter. Criteria: Athena Diagnostics Criteria. Collection method: clinical testing. Allele origin: germline.

Ambry Genetics
Classification: Likely benign for Cardiovascular phenotype. Last evaluated: 2016-04-25. Review status: criteria provided, single submitter. Criteria: Ambry Variant Classification Scheme 2023. Collection method: clinical testing. Allele origin: germline.

Breakthrough Genomics
Classification: Likely benign. Review status: criteria provided, single submitter. Criteria: ACMG Guidelines, 2015. Collection method: not provided. Allele origin: germline. Inheritance: Autosomal recessive inheritance. Affected: yes.